The following is an entry in ClinVar:

ClinVar aggregate classification (germline): Likely pathogenic. Review status: criteria provided, single submitter (1 of 4 stars). 2 submissions from 2 submitters: Likely pathogenic (1). 1 of the submissions does not count toward it. Last evaluated 2018-05-08.

Conditions:
KCNH2-related disorder. Also called: KCNH2-related disorders; KCNH2-related condition.
Familial long QT syndrome (RWS). Also called: Congenital long QT syndrome; Romano-Ward syndrome; VENTRICULAR FIBRILLATION WITH PROLONGED QT INTERVAL. Identifiers: Orphanet 768, MedGen C1141890, MONDO:0019171.

Submissions (2):

Blueprint Genetics
Classification: Likely pathogenic for KCNH2-related disorders. Last evaluated: 2018-05-08. Review status: criteria provided, single submitter. Criteria: ACMG Guidelines, 2015. Collection method: clinical testing. Allele origin: germline. Affected: yes. Observed: 2 variant alleles.

Cardiovascular Biomedical Research Unit, Royal Brompton & Harefield NHS Foundation Trust
No classification provided. Condition: Familial long QT syndrome. Review status: no classification provided. Collection method: literature only. Allele origin: germline. Not counted in ClinVar's aggregate classification.
Comment: This variant has been reported as associated with Long QT syndrome in the following publications (PMID:18752142;PMID:19862833). This is a literature report, and does not necessarily reflect the clinical interpretation of the Imperial College / Royal Brompton Cardiovascular Genetics laboratory.

Literature cited by the submitters: PubMed 18752142 (cited by Cardiovascular Biomedical Research Unit, Royal Brompton & Harefield NHS Foundation Trust); PubMed 19862833 (cited by Cardiovascular Biomedical Research Unit, Royal Brompton & Harefield NHS Foundation Trust); PubMed 22581653 (cited by Cardiovascular Biomedical Research Unit, Royal Brompton & Harefield NHS Foundation Trust).

NM_000238.4(KCNH2):c.305A>T (p.Asp102Val)

Gene: KCNH2 (potassium voltage-gated channel subfamily H member 2; minus strand). Cytogenetic location: 7q36.1.
Variant type: single nucleotide variant.
Coding change: c.305A>T on transcript NM_000238.4 (MANE Select); coding-DNA position 305, A replaced by T.
Protein change: p.Asp102Val; replaces aspartic acid 102 with valine.
Molecular consequence: missense variant.
Genome position (GRCh38, 1-based): chr7:150,974,713, T>A on the plus strand (A>T on the coding strand, the complement: KCNH2 is on the minus strand). VCF-style: chr7-150974713-T-A. GRCh37 (hg19) VCF-style: chr7-150671801-T-A.
Other names: c.305A>T (LRG_288t1); c.305A>T, p.Asp102Val (NM_172056.3); c.128A>T, p.Asp43Val (NM_001406755.1); short protein forms D102V, D43V.
Identifiers: ClinVar variation 67465 (VCV000067465.4), dbSNP rs199472857, ClinGen allele CA007875.